The following is an entry in ClinVar:

NM_000321.3(RB1):c.1627A>G (p.Thr543Ala)

Gene: RB1 (RB transcriptional corepressor 1; plus strand). Cytogenetic location: 13q14.2.
Variant type: single nucleotide variant.
Coding change: c.1627A>G on transcript NM_000321.3 (MANE Select); coding-DNA position 1627, A replaced by G.
Protein change: p.Thr543Ala; replaces threonine 543 with alanine.
Molecular consequence: missense variant.
Genome position (GRCh38, 1-based): chr13:48,381,375, A>G. VCF-style: chr13-48381375-A-G. GRCh37 (hg19) VCF-style: chr13-48955511-A-G.
Other names: c.1627A>G, p.Thr543Ala (NM_001407165.1, NM_001407166.1); short protein forms T543A.
Identifiers: ClinVar variation 5027928 (VCV005027928.1).

ClinVar aggregate classification (germline): Uncertain significance (1 of 4 stars; one submission).

Conditions:
Hereditary cancer-predisposing syndrome. Also called: Neoplastic Syndromes, Hereditary; Tumor predisposition; Hereditary neoplastic syndrome; Hereditary Cancer Syndrome. Identifiers: Orphanet 140162, MedGen C0027672, MeSH D009386, MONDO:0015356.

gnomAD v4.1: 1 of 1,612,646 alleles (0.000062%); highest among the groups gnomAD compares: Non-Finnish European, 0.000085%; no homozygotes.

Submission:

Ambry Genetics
Classification: Uncertain significance for Hereditary cancer-predisposing syndrome. Last evaluated: 2026-07-06. Review status: criteria provided, single submitter. Criteria: Ambry Variant Classification Scheme 2023. Collection method: clinical testing. Allele origin: germline.
Comment: The p.T543A variant (also known as c.1627A>G), located in coding exon 17 of the RB1 gene, results from an A to G substitution at nucleotide position 1627. The threonine at codon 543 is replaced by alanine, an amino acid with similar properties. This amino acid position is conserved. In addition, the in silico prediction for this alteration is inconclusive. Based on the available evidence, the clinical significance of this variant remains unclear.